The following continues an entry in ClinVar:

NM_007294.4(BRCA1):c.2035A>T (p.Lys679Ter)

Gene: BRCA1. ClinVar aggregate classification (germline): Pathogenic. Pathogenic (1).

Submissions 10 to 26 of 26:

All of Us Research Program, National Institutes of Health
Classification: Pathogenic for BRCA1-related cancer predisposition. Last evaluated: 2024-04-25. Review status: criteria provided, single submitter. Criteria: ACMG Guidelines, 2015. Collection method: clinical testing. Allele origin: germline. Inheritance: Autosomal dominant inheritance. Observed: 4 variant alleles, 4 heterozygotes. Not counted in ClinVar's aggregate classification.
Comment: This variant changes 1 nucleotide in exon 10 of the BRCA1 gene, creating a premature translation stop signal. This variant is expected to result in an absent or non-functional protein product. This variant has been reported in at least 10 individuals and families affected with breast, ovarian and fallopian tube cancer (PMID: 9333265, 11810084, 20104584, 21324516, 22006311, 22010008, 24504028, 26681312, 33471991; Leiden Open Variation Database DB-ID BRCA1_002609). This variant has not been identified in the general population by the Genome Aggregation Database (gnomAD). Loss of BRCA1 function is a known mechanism of disease. Based on the available evidence, this variant is classified as Pathogenic.

This study involves interpretation of variants in research participants for the purpose of population health screening. Participant phenotype was not available at the time of variant classification. Additional details can be found in publication PMID: 35346344, PMCID: PMC8962531

Baylor Genetics
Classification: Pathogenic for Breast-ovarian cancer, familial, susceptibility to, 1. Last evaluated: 2024-02-23. Review status: criteria provided, single submitter. Criteria: ACMG Guidelines, 2015. Collection method: clinical testing. Allele origin: unknown. Not counted in ClinVar's aggregate classification.

Color Diagnostics, LLC DBA Color Health
Classification: Pathogenic for Hereditary cancer-predisposing syndrome. Last evaluated: 2024-02-15. Review status: criteria provided, single submitter. Criteria: ACMG Guidelines, 2015. Collection method: clinical testing. Allele origin: germline. Not counted in ClinVar's aggregate classification.
Comment: This variant changes 1 nucleotide in exon 10 of the BRCA1 gene, creating a premature translation stop signal. This variant is expected to result in an absent or non-functional protein product. This variant has been reported in at least 10 individuals and families affected with breast, ovarian and fallopian tube cancer (PMID: 9333265, 11810084, 20104584, 21324516, 22006311, 22010008, 24504028, 26681312, 33471991; Leiden Open Variation Database DB-ID BRCA1_002609). This variant has not been identified in the general population by the Genome Aggregation Database (gnomAD). Loss of BRCA1 function is a known mechanism of disease. Based on the available evidence, this variant is classified as Pathogenic.

Women's Health and Genetics/Laboratory Corporation of America, LabCorp
Classification: Pathogenic for Hereditary breast ovarian cancer syndrome. Last evaluated: 2021-11-08. Review status: criteria provided, single submitter. Criteria: LabCorp Variant Classification Summary - May 2015. Collection method: clinical testing. Allele origin: germline. Not counted in ClinVar's aggregate classification.
Comment: Variant summary: BRCA1 c.2035A>T (p.Lys679X) results in a premature termination codon, predicted to cause a truncation of the encoded protein or absence of the protein due to nonsense mediated decay, which are commonly known mechanisms for disease. Truncations downstream of this position have been classified as pathogenic by our laboratory. The variant was absent in 254368 control chromosomes (gnomAD). c.2035A>T has been reported in the literature in multiple individuals affected with Hereditary Breast And Ovarian Cancer Syndrome (examples: Borg_2010, Lee 2011, Litton_2011, Walsh_2011, Song 2014, Sand usswein_2015). These data indicate that the variant is associated with disease. Twelve clinical diagnostic laboratories and one expert panel have submitted clinical-significance assessments for this variant to ClinVar after 2014 and all classified the variant as pathogenic. Based on the evidence outlined above, the variant was classified as pathogenic.

GeneDx
Classification: Pathogenic. Last evaluated: 2021-05-12. Review status: criteria provided, single submitter. Criteria: GeneDx Variant Classification Process June 2021. Collection method: clinical testing. Allele origin: germline. Affected: yes. Not counted in ClinVar's aggregate classification.
Comment: Nonsense variant predicted to result in protein truncation or nonsense mediated decay in a gene for which loss-of-function is a known mechanism of disease; Observed in individuals with a personal or family history consistent with pathogenic variants in this gene (Shattuck-Eidens 1997, Hbert-Blouin 2002, Pal 2005, Walsh 2011, Cunningham 2014); Truncating variants in this gene are considered pathogenic by a well-established clinical consortium and/or database; Not observed in large population cohorts (gnomAD); Also known as 2154A>T; This variant is associated with the following publications: (PMID: 22006311, 21993507, 23583677, 20104584, 26681312, 33227068, 9333265, 16284991, 24504028, 25525159, 24728189, 11810084, 21324516, 22010008, 29446198, 31447099, 32885271)

Human Genome Sequencing Center Clinical Lab, Baylor College of Medicine
Classification: Pathogenic for Breast-ovarian cancer, familial, susceptibility to, 1. Last evaluated: 2017-05-10. Review status: criteria provided, single submitter. Criteria: ACMG Guidelines, 2015. Collection method: clinical testing. Allele origin: germline. Not counted in ClinVar's aggregate classification.
Comment: The c.2035A>T (p.Lys679*) variant in the BRCA1 gene has been reported in multiple patients with breast and/or ovarian cancer [PMID 9333265, 24504028, 11810084, 22006311]. This change was also reported in 34 patients in the Breast Cancer Information Core database. This c.2035A>T (p.Lys679*) variant creates a premature stop codon at amino acid position 679 of the BRCA1 protein and is thus predicted to result in a loss of function of the protein. The c.2035A>T (p.Lys679*) variant has not been reported in the ExAC database. This variant is thus classified as pathogenic.

Department of Pathology and Molecular Medicine, Queen's University
Classification: Pathogenic for Hereditary breast ovarian cancer syndrome. Last evaluated: 2017-04-20. Review status: criteria provided, single submitter. Criteria: ACMG Guidelines, 2015. Collection method: clinical testing. Allele origin: germline. Study: The Canadian Open Genetics Repository (COGR). Not counted in ClinVar's aggregate classification.

CHEO Genetics Diagnostic Laboratory, Children's Hospital of Eastern Ontario
Classification: Pathogenic for Breast and/or ovarian cancer. Last evaluated: 2016-10-05. Review status: criteria provided, single submitter. Criteria: ACMG Guidelines, 2015. Collection method: clinical testing. Allele origin: germline. Study: Canadian Open Genetics Repository. Not counted in ClinVar's aggregate classification.

University of Washington Department of Laboratory Medicine, University of Washington
Classification: Pathogenic for Breast-ovarian cancer, familial, susceptibility to, 1. Last evaluated: 2015-11-20. Review status: criteria provided, single submitter. Criteria: Shirts et al. (Genet Med 2016). Collection method: clinical testing. Allele origin: germline. Affected: yes. Observed: 1 variant allele. Not counted in ClinVar's aggregate classification.

Consortium of Investigators of Modifiers of BRCA1/2 (CIMBA), c/o University of Cambridge
Classification: Pathogenic for Breast-ovarian cancer, familial, susceptibility to, 1. Last evaluated: 2015-10-02. Review status: criteria provided, single submitter. Criteria: CIMBA Mutation Classification guidelines May 2016. Collection method: clinical testing. Allele origin: germline. Not counted in ClinVar's aggregate classification.

University Health Network, Familial Cancer Clinic, Princess Margaret Cancer Centre
Classification: Pathogenic for BRCA1-related cancer predisposition. Review status: criteria provided, single submitter. Criteria: ACMG Guidelines, 2015. Collection method: clinical testing. Allele origin: germline. Inheritance: Autosomal dominant inheritance. Affected: yes. Observed: 1 variant allele. Not counted in ClinVar's aggregate classification.

Counsyl
Classification: Pathogenic for Breast-ovarian cancer, familial, susceptibility to, 1. Last evaluated: 2015-07-02. Review status: no assertion criteria provided. Collection method: clinical testing. Allele origin: unknown. Not counted in ClinVar's aggregate classification.

Research Molecular Genetics Laboratory, Women's College Hospital, University of Toronto
Classification: Pathogenic for Hereditary breast ovarian cancer syndrome. Last evaluated: 2014-01-31. Review status: no assertion criteria provided. Collection method: research. Allele origin: germline. Affected: yes. Study: The Canadian Open Genetics Repository (COGR). Not counted in ClinVar's aggregate classification.

Sharing Clinical Reports Project (SCRP)
Classification: Pathogenic for Breast-ovarian cancer, familial 1. Last evaluated: 2013-03-18. Review status: no assertion criteria provided. Collection method: clinical testing. Allele origin: germline. Not counted in ClinVar's aggregate classification.

Breast Cancer Information Core (BIC) (BRCA1)
Classification: Pathogenic for Breast-ovarian cancer, familial 1. Last evaluated: 2002-05-29. Review status: no assertion criteria provided. Collection method: clinical testing. Allele origin: germline, unknown. Affected: yes. Observed: 34 variant alleles. Not counted in ClinVar's aggregate classification.

Foulkes Cancer Genetics LDI, Lady Davis Institute for Medical Research
Classification: Pathogenic for Breast and/or ovarian cancer. Last evaluated: 2000-06-30. Review status: no assertion criteria provided. Collection method: clinical testing. Allele origin: germline. Study: The Canadian Open Genetics Repository (COGR). Not counted in ClinVar's aggregate classification.

Department of Pathology and Laboratory Medicine, Sinai Health System
Classification: Pathogenic for Breast-ovarian cancer, familial, susceptibility to, 1. Review status: no assertion criteria provided. Collection method: clinical testing. Allele origin: unknown. Affected: yes. Observed: 3 variant alleles. Study: The Canadian Open Genetics Repository (COGR). Not counted in ClinVar's aggregate classification.
Comment: The BRCA1 p.Lys679X variant was identified in 2 of 1596 proband chromosomes (frequency: 0.001) from individuals or families with hereditary Breast and Ovarian Cancer (Shattuck-Eidens 1997). The variant was also identified in dbSNP (ID: rs80357082) â€šÃ„ÃºWith pathogenic alleleâ€šÃ„Ã¹, HGMD, the ClinVar database (classified as a pathogenic variant by the Sharing Clinical Reports Project, derived from Myriad reports, as pathogenic by GeneDX, as pathogenic by BIC and as pathogenic by Ambry Genetics), GeneInsight-VariantWire (1X, classified as pathogenic by a clinical laboratory), the BIC database (34X with clinical importance), and UMD (2X as a pathogenic variant). The p.Lys679X variant leads to a premature stop codon at position 679, which is predicted to lead to a truncated or absent protein and loss of function. Loss of function variants of the BRCA1 gene are an established mechanism of disease in hereditary breast and ovarian cancer and is the type of variant expected to cause the disorder. In summary, based on the above information, this variant meets our laboratoryâ€šÃ„Ã´s criteria to be classified as pathogenic.

Literature cited by the submitters: PubMed 20104584 (cited by 8 submitters); PubMed 9333265 (cited by 6 submitters); PubMed 11810084 (cited by 6 submitters); PubMed 21913181 (cited by 4 submitters); PubMed 22006311 (cited by 8 submitters); PubMed 24504028 (cited by 8 submitters); PubMed 26681312 (cited by 6 submitters); PubMed 18268356 (cited by Ambry Genetics); PubMed 22010008 (cited by 5 submitters); PubMed 24728189 (cited by 3 submitters); PubMed 21324516 (cited by 4 submitters); PubMed 33471991 (cited by 3 submitters); PubMed 37310942 (cited by Quest Diagnostics Nichols Institute San Juan Capistrano); PubMed 36744932 (cited by Quest Diagnostics Nichols Institute San Juan Capistrano); PubMed 29446198 (cited by Quest Diagnostics Nichols Institute San Juan Capistrano); PubMed 26295337 (cited by Quest Diagnostics Nichols Institute San Juan Capistrano).